The following is an entry in ClinVar:

NM_005431.2(XRCC2):c.718T>G (p.Phe240Val)

Gene: XRCC2 (X-ray repair cross complementing 2; minus strand). Cytogenetic location: 7q36.1.
Variant type: single nucleotide variant.
Coding change: c.718T>G on transcript NM_005431.2 (MANE Select); coding-DNA position 718, T replaced by G.
Protein change: p.Phe240Val; replaces phenylalanine 240 with valine.
Molecular consequence: missense variant.
Genome position (GRCh38, 1-based): chr7:152,648,767, A>C on the plus strand (T>G on the coding strand, the complement: XRCC2 is on the minus strand). VCF-style: chr7-152648767-A-C. GRCh37 (hg19) VCF-style: chr7-152345852-A-C.
Other names: short protein forms F240V.
Identifiers: ClinVar variation 2562727 (VCV002562727.2), dbSNP rs2485880411, ClinGen allele CA370198095.

ClinVar aggregate classification (germline): Uncertain significance (1 of 4 stars; one submission).

Conditions:
Hereditary cancer-predisposing syndrome. Also called: Neoplastic Syndromes, Hereditary; Hereditary Cancer Syndrome; Hereditary neoplastic syndrome; Tumor predisposition. Identifiers: Orphanet 140162, MedGen C0027672, MeSH D009386, MONDO:0015356.

Submission:

Ambry Genetics
Classification: Uncertain significance for Hereditary cancer-predisposing syndrome. Last evaluated: 2023-04-18. Review status: criteria provided, single submitter. Criteria: Ambry Variant Classification Scheme 2023. Collection method: clinical testing. Allele origin: germline.
Comment: The p.F240V variant (also known as c.718T>G), located in coding exon 3 of the XRCC2 gene, results from a T to G substitution at nucleotide position 718. The phenylalanine at codon 240 is replaced by valine, an amino acid with highly similar properties. This amino acid position is conserved. In addition, this alteration is predicted to be tolerated by in silico analysis. Since supporting evidence is limited at this time, the clinical significance of this alteration remains unclear.